The following is an entry in ClinVar:

ClinVar aggregate classification (germline): Uncertain significance (1 of 4 stars; one submission).

Allele frequency attached by ClinVar (database versions not stated): gnomAD 0.00001; gnomAD exomes 0.00001; TOPMed 0.00001; ExAC 0.00002.
gnomAD v4.1: 13 of 1,614,056 alleles (0.00081%); highest among the groups gnomAD compares: Admixed American, 0.0033%; no homozygotes.

Submission:

Labcorp Genetics (formerly Invitae), Labcorp
Classification: Uncertain significance. Last evaluated: 2023-07-12. Review status: criteria provided, single submitter. Criteria: Invitae Variant Classification Sherloc (09022015). Collection method: clinical testing. Allele origin: germline.
Comment: In summary, the available evidence is currently insufficient to determine the role of this variant in disease. Therefore, it has been classified as a Variant of Uncertain Significance. This sequence change replaces arginine, which is basic and polar, with tryptophan, which is neutral and slightly polar, at codon 659 of the IGF1R protein (p.Arg659Trp). This variant is present in population databases (rs199672504, gnomAD 0.006%). This variant has not been reported in the literature in individuals affected with IGF1R-related conditions. ClinVar contains an entry for this variant (Variation ID: 2189982). Advanced modeling of protein sequence and biophysical properties (such as structural, functional, and spatial information, amino acid conservation, physicochemical variation, residue mobility, and thermodynamic stability) performed at Invitae indicates that this missense variant is not expected to disrupt IGF1R protein function.

NM_000875.5(IGF1R):c.1975C>T (p.Arg659Trp)

Gene: IGF1R (insulin like growth factor 1 receptor; plus strand). Cytogenetic location: 15q26.3.
Variant type: single nucleotide variant.
Coding change: c.1975C>T on transcript NM_000875.5 (MANE Select); coding-DNA position 1975, C replaced by T.
Protein change: p.Arg659Trp; replaces arginine 659 with tryptophan.
Molecular consequence: missense variant.
Genome position (GRCh38, 1-based): chr15:98,916,110, C>T. VCF-style: chr15-98916110-C-T. GRCh37 (hg19) VCF-style: chr15-99459339-C-T.
Other names: c.1975C>T, p.Arg659Trp (NM_001291858.2); short protein forms R659W.
Identifiers: ClinVar variation 2189982 (VCV002189982.4), dbSNP rs199672504, ClinGen allele CA7752252.